The following is an entry in ClinVar:

NM_004360.4:c.(163+1_164-1)_(387+1_388-1)del

Gene: CDH1 (cadherin 1; plus strand).
Variant type: Deletion.
Identifiers: ClinVar variation 2503025 (VCV002503025.1).

ClinVar aggregate classification (germline): Pathogenic (1 of 4 stars; one submission).

Conditions:
Hereditary diffuse gastric adenocarcinoma (HDGC). Also called: DIFFUSE GASTRIC AND LOBULAR BREAST CANCER SYNDROME. Identifiers: Orphanet 26106, MedGen C1708349, MONDO:0007648, OMIM 137215.

Submission:

European Reference Network on Genetic Tumour Risk Syndromes (ERN-GENTURIS), i3s - Instituto de Investigação e Inovação em Saúde, University of Porto
Classification: Pathogenic for Hereditary diffuse gastric adenocarcinoma. Last evaluated: 2022-08-01. Review status: criteria provided, single submitter. Criteria: Lee et al. (Hum Mutat. 2018). Collection method: clinical testing. Allele origin: germline. Inheritance: Autosomal dominant inheritance. Affected: yes. Study: ERN GENTURIS.
Comment: PVS1; PS4; PM2 (PMID: 30311375)

Literature cited by the submitters: PubMed 36436516.